The following is an entry in ClinVar:

NM_170606.3(KMT2C):c.10112C>T (p.Ser3371Leu)

Gene: KMT2C (lysine methyltransferase 2C; minus strand). Cytogenetic location: 7q36.1.
Variant type: single nucleotide variant.
Coding change: c.10112C>T on transcript NM_170606.3 (MANE Select); coding-DNA position 10112, C replaced by T.
Protein change: p.Ser3371Leu; replaces serine 3371 with leucine.
Molecular consequence: missense variant.
Genome position (GRCh38, 1-based): chr7:152,163,465, G>A on the plus strand (C>T on the coding strand, the complement: KMT2C is on the minus strand). VCF-style: chr7-152163465-G-A. GRCh37 (hg19) VCF-style: chr7-151860550-G-A.
Other names: short protein forms S3371L.
Identifiers: ClinVar variation 3353715 (VCV003353715.1).

ClinVar aggregate classification (germline): Uncertain significance (0 of 4 stars; one submission).

Conditions:
KMT2C-related disorder. Also called: KMT2C-related disorders; KMT2C-related condition.

Submission:

PreventionGenetics, part of Exact Sciences
Classification: Uncertain significance for KMT2C-related condition. Last evaluated: 2024-05-26. Review status: no assertion criteria provided. Collection method: clinical testing. Allele origin: germline.
Comment: The KMT2C c.10112C>T variant is predicted to result in the amino acid substitution p.Ser3371Leu. To our knowledge, this variant has not been reported in the literature or in a large population database, indicating this variant is rare. At this time, the clinical significance of this variant is uncertain due to the absence of conclusive functional and genetic evidence.